The following is an entry in ClinVar:

ClinVar aggregate classification (germline): Conflicting classifications of pathogenicity. Review status: criteria provided, conflicting classifications (1 of 4 stars). 2 submissions from 2 submitters: Uncertain significance (1); Likely benign (1). Last evaluated 2024-03-15.

Conditions:
Inborn genetic diseases. Identifiers: MedGen C0950123, MeSH D030342.

Allele frequency attached by ClinVar (database versions not stated): gnomAD exomes below 0.00001; TOPMed below 0.00001; ExAC 0.00001.
gnomAD v4.1: 3 of 1,608,464 alleles (0.00019%); highest among the groups gnomAD compares: African/African-American, 0.0013%; no homozygotes.

Submissions (2):

Ambry Genetics
Classification: Likely benign for Inborn genetic diseases. Last evaluated: 2024-03-15. Review status: criteria provided, single submitter. Criteria: Ambry Variant Classification Scheme 2023. Collection method: clinical testing. Allele origin: germline.

Labcorp Genetics (formerly Invitae), Labcorp
Classification: Uncertain significance. Last evaluated: 2022-04-16. Review status: criteria provided, single submitter. Criteria: Invitae Variant Classification Sherloc (09022015). Collection method: clinical testing. Allele origin: germline.
Comment: This sequence change replaces serine, which is neutral and polar, with leucine, which is neutral and non-polar, at codon 195 of the RNF168 protein (p.Ser195Leu). This variant is present in population databases (rs766109423, gnomAD 0.007%). This variant has not been reported in the literature in individuals affected with RNF168-related conditions. Algorithms developed to predict the effect of missense changes on protein structure and function output the following: SIFT: "Tolerated"; PolyPhen-2: "Benign"; Align-GVGD: "Class C0". The leucine amino acid residue is found in multiple mammalian species, which suggests that this missense change does not adversely affect protein function. Algorithms developed to predict the effect of sequence changes on RNA splicing suggest that this variant may create or strengthen a splice site. In summary, the available evidence is currently insufficient to determine the role of this variant in disease. Therefore, it has been classified as a Variant of Uncertain Significance.

NM_152617.4(RNF168):c.584C>T (p.Ser195Leu)

Gene: RNF168 (ring finger protein 168; minus strand). Cytogenetic location: 3q29.
Variant type: single nucleotide variant.
Coding change: c.584C>T on transcript NM_152617.4 (MANE Select); coding-DNA position 584, C replaced by T.
Protein change: p.Ser195Leu; replaces serine 195 with leucine.
Molecular consequence: missense variant.
Genome position (GRCh38, 1-based): chr3:196,483,866, G>A on the plus strand (C>T on the coding strand, the complement: RNF168 is on the minus strand). VCF-style: chr3-196483866-G-A. GRCh37 (hg19) VCF-style: chr3-196210737-G-A.
Other names: short protein forms S195L.
Identifiers: ClinVar variation 2180838 (VCV002180838.5), dbSNP rs766109423, ClinGen allele CA2780879.